The following is an entry in ClinVar:

ClinVar aggregate classification (germline): Uncertain significance. Review status: criteria provided, multiple submitters, no conflicts (2 of 4 stars). 3 submissions from 3 submitters: Uncertain significance (3). Last evaluated 2025-11-25.

Conditions:
Cohen syndrome (COH1). Also called: Cutis verticis gyrata, retinitis pigmentosa, and sensorineural deafness; PEPPER SYNDROME. Identifiers: Orphanet 193, MedGen C0265223, MONDO:0008999, OMIM 216550.
VPS13B-related disorder. Also called: VPS13B-related condition.

Allele frequency attached by ClinVar (database versions not stated): gnomAD 0.00001; gnomAD exomes 0.00001; TOPMed 0.00002.
gnomAD v4.1: 10 of 1,613,986 alleles (0.00062%); highest among the groups gnomAD compares: Admixed American, 0.0033%; no homozygotes.

Submissions (3):

PreventionGenetics, part of Exact Sciences
Classification: Uncertain significance for VPS13B-related condition. Last evaluated: 2025-11-25. Review status: criteria provided, single submitter. Criteria: ACMG Guidelines, 2015. Collection method: clinical testing. Allele origin: germline.
Comment: The VPS13B c.11906A>C variant is predicted to result in the amino acid substitution p.His3969Pro. To our knowledge, this variant has not been reported in the literature. This variant is reported in 0.0058% of alleles in individuals of Latino descent in gnomAD. At this time, the clinical significance of this variant is uncertain due to the absence of conclusive functional and genetic evidence.

GeneDx
Classification: Uncertain significance. Last evaluated: 2022-08-14. Review status: criteria provided, single submitter. Criteria: GeneDx Variant Classification Process June 2021. Collection method: clinical testing. Allele origin: germline. Affected: yes.
Comment: Not observed at significant frequency in large population cohorts (gnomAD); In silico analysis supports that this missense variant does not alter protein structure/function; Has not been previously published as pathogenic or benign to our knowledge

Labcorp Genetics (formerly Invitae), Labcorp
Classification: Uncertain significance for Cohen syndrome. Last evaluated: 2022-07-19. Review status: criteria provided, single submitter. Criteria: Invitae Variant Classification Sherloc (09022015). Collection method: clinical testing. Allele origin: germline.
Comment: This sequence change replaces histidine with proline at codon 3994 of the VPS13B protein (p.His3994Pro). The histidine residue is weakly conserved and there is a moderate physicochemical difference between histidine and proline. This variant is present in population databases (no rsID available, gnomAD 0.006%). This variant has not been reported in the literature in individuals affected with VPS13B-related conditions. ClinVar contains an entry for this variant (Variation ID: 1381740). Algorithms developed to predict the effect of missense changes on protein structure and function are either unavailable or do not agree on the potential impact of this missense change (SIFT: "Not Available"; PolyPhen-2: "Benign"; Align-GVGD: "Not Available"). In summary, the available evidence is currently insufficient to determine the role of this variant in disease. Therefore, it has been classified as a Variant of Uncertain Significance.

NM_152564.5(VPS13B):c.11906A>C (p.His3969Pro)

Gene: VPS13B (vacuolar protein sorting 13 homolog B; plus strand). Cytogenetic location: 8q22.2.
Variant type: single nucleotide variant.
Coding change: c.11906A>C on transcript NM_152564.5 (MANE Select); coding-DNA position 11906, A replaced by C.
Protein change: p.His3969Pro; replaces histidine 3969 with proline.
Molecular consequence: missense variant.
Genome position (GRCh38, 1-based): chr8:99,875,578, A>C. VCF-style: chr8-99875578-A-C. GRCh37 (hg19) VCF-style: chr8-100887806-A-C.
Other names: c.11981A>C (NM_017890.3); c.11981A>C, p.His3994Pro (NM_017890.5); c.11906A>C (NM_152564.4); short protein forms H3969P, H3994P.
Identifiers: ClinVar variation 1381740 (VCV001381740.4), dbSNP rs902783600, ClinGen allele CA182335434.
Genomic context (GRCh38, chr8:99,875,578, plus strand): 5'-TGCAAATACCATGCCCTGTGGTGGCTGCAGAACCTCCCCCCTCCACTGTTAAAACATACC[A>C]TTACCTGGTTGATCCACATTTTGCTCAGGTCTTCCTTAGTAAATTTACCATGGTGAAAAA-3'
Protein context (NP_689777.3, residues 3959-3979): EPPPSTVKTY[His3969Pro]YLVDPHFAQV